The following is an entry in ClinVar:

NM_002878.4(RAD51D):c.961G>T (p.Ala321Ser)

Genes: RAD51L3-RFFL (RAD51L3-RFFL readthrough; minus strand), RAD51D (RAD51 paralog D; minus strand). Cytogenetic location: 17q12.
Variant type: single nucleotide variant.
Coding change: c.961G>T on transcript NM_002878.4 (MANE Select); coding-DNA position 961, G replaced by T.
Protein change: p.Ala321Ser; replaces alanine 321 with serine.
Molecular consequence: missense variant. On other transcripts: non-coding transcript variant (2).
Genome position (GRCh38, 1-based): chr17:35,100,979, C>A on the plus strand (G>T on the coding strand, the complement: RAD51D is on the minus strand). VCF-style: chr17-35100979-C-A. GRCh37 (hg19) VCF-style: chr17-33427998-C-A.
Other names: c.1021G>T, p.Ala341Ser (NM_001142571.2); c.625G>T, p.Ala209Ser (NM_133629.3); short protein forms A341S, A209S, A321S.
Identifiers: ClinVar variation 4543145 (VCV004543145.1).

ClinVar aggregate classification (germline): Uncertain significance (1 of 4 stars; one submission).

Conditions:
Hereditary cancer-predisposing syndrome. Also called: Tumor predisposition; Hereditary Cancer Syndrome; Hereditary neoplastic syndrome; Neoplastic Syndromes, Hereditary. Identifiers: Orphanet 140162, MedGen C0027672, MeSH D009386, MONDO:0015356.

Submission:

Ambry Genetics
Classification: Uncertain significance for Hereditary cancer-predisposing syndrome. Last evaluated: 2025-10-01. Review status: criteria provided, single submitter. Criteria: Ambry Variant Classification Scheme 2023. Collection method: clinical testing. Allele origin: germline.
Comment: The p.A321S variant (also known as c.961G>T), located in coding exon 10 of the RAD51D gene, results from a G to T substitution at nucleotide position 961. The alanine at codon 321 is replaced by serine, an amino acid with similar properties. This amino acid position is conserved. In addition, this alteration is predicted to be tolerated by in silico analysis. Based on the available evidence, the clinical significance of this variant remains unclear.